The following is an entry in ClinVar:

NM_006421.5(ARFGEF1):c.1229C>A (p.Ser410Ter)

Gene: ARFGEF1 (ARF guanine nucleotide exchange factor 1; minus strand). Cytogenetic location: 8q13.2.
Variant type: single nucleotide variant.
Coding change: c.1229C>A on transcript NM_006421.5 (MANE Select); coding-DNA position 1229, C replaced by A.
Protein change: p.Ser410Ter; replaces serine 410 with a stop codon.
Molecular consequence: nonsense. On other transcripts: non-coding transcript variant (1), intron variant (1).
Genome position (GRCh38, 1-based): chr8:67,276,084, G>T on the plus strand (C>A on the coding strand, the complement: ARFGEF1 is on the minus strand). VCF-style: chr8-67276084-G-T. GRCh37 (hg19) VCF-style: chr8-68188319-G-T.
Other names: c.1229C>A, p.Ser410Ter (NM_001413184.1, NM_001413185.1, NM_001413186.1 and 7 more transcripts); c.629C>A, p.Ser210Ter (NM_001413188.1, NM_001413193.1, NM_001413197.1); c.-88-4148C>A (NM_001413196.1); short protein forms S210*, S410*.
Identifiers: ClinVar variation 3349832 (VCV003349832.1).

ClinVar aggregate classification (germline): Likely pathogenic (0 of 4 stars; one submission).

Conditions:
ARFGEF1-related disorder. Also called: ARFGEF1-related condition.

Submission:

PreventionGenetics, part of Exact Sciences
Classification: Likely pathogenic for ARFGEF1-related condition. Last evaluated: 2024-03-22. Review status: no assertion criteria provided. Collection method: clinical testing. Allele origin: germline.
Comment: The ARFGEF1 c.1229C>A variant is predicted to result in premature protein termination (p.Ser410*). To our knowledge, this variant has not been reported in the literature or in a large population database, indicating this variant is rare. Nonsense variants in ARFGEF1 are expected to be pathogenic. This variant is interpreted as likely pathogenic.